The following is an entry in ClinVar:

ClinVar aggregate classification (germline): Uncertain significance (1 of 4 stars; one submission).

Submission:

Ambry Genetics
Classification: Uncertain significance. Last evaluated: 2026-06-24. Review status: criteria provided, single submitter. Criteria: Ambry Variant Classification Scheme 2023. Collection method: clinical testing. Allele origin: germline.
Comment: The c.1996T>G (p.S666A) alteration is located in exon 24 (coding exon 24) of the COL4A6 gene. This alteration results from a T to G substitution at nucleotide position 1996, causing the serine (S) at amino acid position 666 to be replaced by an alanine (A). Based on data from gnomAD, the G allele has an overall frequency of <0.001% (1/182758) total alleles studied. The highest observed frequency was 0.001% (1/81584) of European (non-Finnish) alleles. Based on insufficient or conflicting evidence, the clinical significance of this alteration remains unclear.

NM_033641.4(COL4A6):c.1993T>G (p.Ser665Ala)

Gene: COL4A6 (collagen type IV alpha 6 chain; minus strand). Cytogenetic location: Xq22.3.
Variant type: single nucleotide variant.
Coding change: c.1993T>G on transcript NM_033641.4 (MANE Select); coding-DNA position 1993, T replaced by G.
Protein change: p.Ser665Ala; replaces serine 665 with alanine.
Molecular consequence: missense variant.
Genome position (GRCh38, 1-based): chrX:108,180,927, A>C on the plus strand (T>G on the coding strand, the complement: COL4A6 is on the minus strand). VCF-style: chrX-108180927-A-C. GRCh37 (hg19) VCF-style: chrX-107424157-A-C.
Other names: c.2044T>G, p.Ser682Ala (NM_001287758.2); c.1993T>G, p.Ser665Ala (NM_001287759.2, NM_001287760.2, NM_001440760.1); c.1996T>G, p.Ser666Ala (NM_001440759.1, NM_001847.4); short protein forms S666A, S682A, S665A.
Identifiers: ClinVar variation 5034800 (VCV005034800.1).